The following is an entry in ClinVar:

NM_000179.3(MSH6):c.3820G>C (p.Glu1274Gln)

Gene: MSH6 (mutS homolog 6; plus strand). Cytogenetic location: 2p16.3.
Variant type: single nucleotide variant.
Coding change: c.3820G>C on transcript NM_000179.3 (MANE Select); coding-DNA position 3820, G replaced by C.
Protein change: p.Glu1274Gln; replaces glutamic acid 1274 with glutamine.
Molecular consequence: missense variant.
Genome position (GRCh38, 1-based): chr2:47,806,470, G>C. VCF-style: chr2-47806470-G-C. GRCh37 (hg19) VCF-style: chr2-48033609-G-C.
Other names: c.3430G>C, p.Glu1144Gln (NM_001281492.2); c.2914G>C, p.Glu972Gln (NM_001281493.2, NM_001281494.2); short protein forms E1274Q, E1144Q, E972Q.
Identifiers: ClinVar variation 455294 (VCV000455294.12), dbSNP rs587779294, ClinGen allele CA346761247.

ClinVar aggregate classification (germline): Uncertain significance. Review status: criteria provided, multiple submitters, no conflicts (2 of 4 stars). 4 submissions from 4 submitters: Uncertain significance (4). Last evaluated 2025-03-14.

Conditions:
Hereditary cancer-predisposing syndrome. Also called: Hereditary Cancer Syndrome; Hereditary neoplastic syndrome; Neoplastic Syndromes, Hereditary; Tumor predisposition. Identifiers: Orphanet 140162, MedGen C0027672, MeSH D009386, MONDO:0015356.
Hereditary nonpolyposis colorectal neoplasms. Identifiers: MedGen C0009405, MeSH D003123.

Allele frequency attached by ClinVar (database versions not stated): gnomAD exomes below 0.00001; TOPMed below 0.00001.
gnomAD v4.1: 2 of 1,614,084 alleles (0.00012%); highest among the groups gnomAD compares: South Asian, 0.0011%; no homozygotes.

Submissions (4):

GeneDx
Classification: Uncertain significance. Last evaluated: 2025-03-14. Review status: criteria provided, single submitter. Criteria: GeneDx Variant Classification Process June 2021. Collection method: clinical testing. Allele origin: germline. Affected: yes.
Comment: Not observed at significant frequency in large population cohorts (gnomAD); In silico analysis indicates that this missense variant does not alter protein structure/function; Has not been previously published as pathogenic or benign to our knowledge; This variant is associated with the following publications: (PMID: 17531815, 21120944)

Ambry Genetics
Classification: Uncertain significance for Hereditary cancer-predisposing syndrome. Last evaluated: 2024-10-09. Review status: criteria provided, single submitter. Criteria: Ambry Variant Classification Scheme 2023. Collection method: clinical testing. Allele origin: germline.
Comment: The p.E1274Q variant (also known as c.3820G>C), located in coding exon 9 of the MSH6 gene, results from a G to C substitution at nucleotide position 3820. The glutamic acid at codon 1274 is replaced by glutamine, an amino acid with highly similar properties. This amino acid position is highly conserved in available vertebrate species. In addition, this alteration is predicted to be deleterious by in silico analysis. Based on the available evidence, the clinical significance of this variant remains unclear.

Labcorp Genetics (formerly Invitae), Labcorp
Classification: Uncertain significance for Hereditary nonpolyposis colorectal neoplasms. Last evaluated: 2022-08-09. Review status: criteria provided, single submitter. Criteria: Invitae Variant Classification Sherloc (09022015). Collection method: clinical testing. Allele origin: germline.
Comment: In summary, the available evidence is currently insufficient to determine the role of this variant in disease. Therefore, it has been classified as a Variant of Uncertain Significance. Advanced modeling of protein sequence and biophysical properties (such as structural, functional, and spatial information, amino acid conservation, physicochemical variation, residue mobility, and thermodynamic stability) performed at Invitae indicates that this missense variant is expected to disrupt MSH6 protein function. ClinVar contains an entry for this variant (Variation ID: 455294). This variant has not been reported in the literature in individuals affected with MSH6-related conditions. This variant is not present in population databases (gnomAD no frequency). This sequence change replaces glutamic acid, which is acidic and polar, with glutamine, which is neutral and polar, at codon 1274 of the MSH6 protein (p.Glu1274Gln).

Color Diagnostics, LLC DBA Color Health
Classification: Uncertain significance for Hereditary cancer-predisposing syndrome. Last evaluated: 2020-04-07. Review status: criteria provided, single submitter. Criteria: ACMG Guidelines, 2015. Collection method: clinical testing. Allele origin: germline.
Comment: This missense variant replaces glutamic acid with glutamine at codon 1274 of the MSH6 protein. Computational prediction is inconclusive regarding the impact of this variant on protein structure and function (internally defined REVEL score threshold 0.5 < inconclusive < 0.7, PMID: 27666373). To our knowledge, functional studies have not been reported for this variant. This variant has not been reported in individuals affected with hereditary cancer in the literature. This variant has not been identified in the general population by the Genome Aggregation Database (gnomAD). The available evidence is insufficient to determine the role of this variant in disease conclusively. Therefore, this variant is classified as a Variant of Uncertain Significance.